The following is an entry in ClinVar:

ClinVar aggregate classification (germline): Uncertain significance. Review status: criteria provided, multiple submitters, no conflicts (2 of 4 stars). 3 submissions from 3 submitters: Uncertain significance (3). Last evaluated 2023-09-26.

Conditions:
Wiedemann-Steiner syndrome (WDSTS). Also called: Growth deficiency and mental retardation with facial dysmorphism. Identifiers: Orphanet 319182, MedGen C1854630, MONDO:0011518, OMIM 605130.

Submissions (3):

Women's Health and Genetics/Laboratory Corporation of America, LabCorp
Classification: Uncertain significance. Last evaluated: 2023-09-26. Review status: criteria provided, single submitter. Criteria: LabCorp Variant Classification Summary - May 2015. Collection method: clinical testing. Allele origin: germline.
Comment: Variant summary: KMT2A c.130C>A (p.Pro44Thr) results in a non-conservative amino acid change in the encoded protein sequence. Three of five in-silico tools predict a benign effect of the variant on protein function. The variant was absent in 4346 control chromosomes (gnomAD). The available data on variant occurrences in the general population are insufficient to allow any conclusion about variant significance. To our knowledge, no occurrence of c.130C>A in individuals affected with Wiedemann-Steiner Syndrome and no experimental evidence demonstrating its impact on protein function have been reported. One submitter has cited a clinical-significance assessment for this variant to ClinVar after 2014 and has classified the variant as uncertain significance. Based on the evidence outlined above, the variant was classified as uncertain significance.

Labcorp Genetics (formerly Invitae), Labcorp
Classification: Uncertain significance. Last evaluated: 2023-02-14. Review status: criteria provided, single submitter. Criteria: Invitae Variant Classification Sherloc (09022015). Collection method: clinical testing. Allele origin: germline.
Comment: Advanced modeling of protein sequence and biophysical properties (such as structural, functional, and spatial information, amino acid conservation, physicochemical variation, residue mobility, and thermodynamic stability) has been performed at Invitae for this missense variant, however the output from this modeling did not meet the statistical confidence thresholds required to predict the impact of this variant on KMT2A protein function. This sequence change replaces proline, which is neutral and non-polar, with threonine, which is neutral and polar, at codon 44 of the KMT2A protein (p.Pro44Thr). The frequency data for this variant in the population databases is considered unreliable, as metrics indicate insufficient coverage at this position in the gnomAD database. This variant has not been reported in the literature in individuals affected with KMT2A-related conditions. ClinVar contains an entry for this variant (Variation ID: 1184435). In summary, the available evidence is currently insufficient to determine the role of this variant in disease. Therefore, it has been classified as a Variant of Uncertain Significance.

New York Genome Center
Classification: Uncertain significance for Wiedemann-Steiner syndrome. Last evaluated: 2020-08-20. Review status: criteria provided, single submitter. Criteria: NYGC Assertion Criteria 2020. Collection method: clinical testing. Allele origin: de novo. Observed: 1 heterozygote. Study: CSER-NYCKidSeq.

NM_001197104.2(KMT2A):c.130C>A (p.Pro44Thr)

Gene: KMT2A (lysine methyltransferase 2A; plus strand). Cytogenetic location: 11q23.3.
Variant type: single nucleotide variant.
Coding change: c.130C>A on transcript NM_001197104.2 (MANE Select); coding-DNA position 130, C replaced by A.
Protein change: p.Pro44Thr; replaces proline 44 with threonine.
Molecular consequence: missense variant.
Genome position (GRCh38, 1-based): chr11:118,436,642, C>A. VCF-style: chr11-118436642-C-A. GRCh37 (hg19) VCF-style: chr11-118307357-C-A.
Other names: c.130C>A, p.Pro44Thr (NM_005933.4); short protein forms P44T.
Identifiers: ClinVar variation 1184435 (VCV001184435.5), dbSNP rs1437526128, ClinGen allele CA382797310.